The following is an entry in ClinVar:

NM_015295.3(SMCHD1):c.2836G>C (p.Ala946Pro)

Gene: SMCHD1 (structural maintenance of chromosomes flexible hinge domain containing 1; plus strand). Cytogenetic location: 18p11.32.
Variant type: single nucleotide variant.
Coding change: c.2836G>C on transcript NM_015295.3 (MANE Select); coding-DNA position 2836, G replaced by C.
Protein change: p.Ala946Pro; replaces alanine 946 with proline.
Molecular consequence: missense variant.
Genome position (GRCh38, 1-based): chr18:2,728,519, G>C. VCF-style: chr18-2728519-G-C. GRCh37 (hg19) VCF-style: chr18-2728517-G-C.
Other names: short protein forms A946P.
Identifiers: ClinVar variation 3676147 (VCV003676147.2).

ClinVar aggregate classification (germline): Uncertain significance (1 of 4 stars; one submission).

Conditions:
Facioscapulohumeral muscular dystrophy 2 (FSHD2). Also called: MUSCULAR DYSTROPHY, FACIOSCAPULOHUMERAL, TYPE 1B; FACIOSCAPULOHUMERAL MUSCULAR DYSTROPHY 2, DIGENIC; FSHD2, DIGENIC. Identifiers: Orphanet 269, MedGen C1834671, MONDO:0008031, OMIM 158901.

gnomAD v4.1: 1 of 1,613,178 alleles (0.000062%); highest among the groups gnomAD compares: Non-Finnish European, 0.000085%; no homozygotes.

Submission:

Labcorp Genetics (formerly Invitae), Labcorp
Classification: Uncertain significance for Facioscapulohumeral muscular dystrophy 2. Last evaluated: 2024-08-24. Review status: criteria provided, single submitter. Criteria: Invitae Variant Classification Sherloc (09022015). Collection method: clinical testing. Allele origin: germline.
Comment: This sequence change replaces alanine, which is neutral and non-polar, with proline, which is neutral and non-polar, at codon 946 of the SMCHD1 protein (p.Ala946Pro). This variant is not present in population databases (gnomAD no frequency). This variant has not been reported in the literature in individuals affected with SMCHD1-related conditions. Invitae Evidence Modeling of protein sequence and biophysical properties (such as structural, functional, and spatial information, amino acid conservation, physicochemical variation, residue mobility, and thermodynamic stability) indicates that this missense variant is not expected to disrupt SMCHD1 protein function with a negative predictive value of 80%. In summary, the available evidence is currently insufficient to determine the role of this variant in disease. Therefore, it has been classified as a Variant of Uncertain Significance.